The following is an entry in ClinVar:

ClinVar aggregate classification (germline): Uncertain significance. Review status: criteria provided, multiple submitters, no conflicts (2 of 4 stars). 6 submissions from 6 submitters: Uncertain significance (6). Last evaluated 2026-03-11.

Conditions:
MYLK-related disorder. Also called: MYLK-related condition.
Familial thoracic aortic aneurysm and aortic dissection (TAAD). Also called: Thoracic aortic aneurysms and dissections. Identifiers: Orphanet 91387, MedGen C4707243, MONDO:0019625.
Aortic aneurysm, familial thoracic 7 (AAT7). Also called: AORTIC DISSECTION, FAMILIAL, WITH OR WITHOUT AORTIC ANEURYSM. Identifiers: MedGen C3151077, MONDO:0013418, OMIM 613780.
Megacystis-microcolon-intestinal hypoperistalsis syndrome 1. Identifiers: MedGen C5542316, MONDO:0100354, OMIM 249210.

Allele frequency attached by ClinVar (database versions not stated): gnomAD exomes 0.00001; ExAC 0.00002; gnomAD 0.00002; TOPMed 0.00002; ESP Exome Variant Server 0.00008.

Submissions (6):

PreventionGenetics, part of Exact Sciences
Classification: Uncertain significance for MYLK-related condition. Last evaluated: 2026-03-11. Review status: criteria provided, single submitter. Criteria: ACMG Guidelines, 2015. Collection method: clinical testing. Allele origin: germline.
Comment: The MYLK c.524G>T variant is predicted to result in the amino acid substitution p.Gly175Val. To our knowledge, this variant has not been reported in the literature. This variant is reported in 0.0062% of alleles in individuals of African descent in gnomAD. At this time, the clinical significance of this variant is uncertain due to the absence of conclusive functional and genetic evidence.

Labcorp Genetics (formerly Invitae), Labcorp
Classification: Uncertain significance for Aortic aneurysm, familial thoracic 7. Last evaluated: 2025-06-05. Review status: criteria provided, single submitter. Criteria: Invitae Variant Classification Sherloc (09022015). Collection method: clinical testing. Allele origin: germline.
Comment: This sequence change replaces glycine, which is neutral and non-polar, with valine, which is neutral and non-polar, at codon 175 of the MYLK protein (p.Gly175Val). This variant is present in population databases (rs375456836, gnomAD 0.007%). This variant has not been reported in the literature in individuals affected with MYLK-related conditions. ClinVar contains an entry for this variant (Variation ID: 241763). An algorithm developed to predict the effect of missense changes on protein structure and function (PolyPhen-2) suggests that this variant is likely to be disruptive. In summary, the available evidence is currently insufficient to determine the role of this variant in disease. Therefore, it has been classified as a Variant of Uncertain Significance.

Ambry Genetics
Classification: Uncertain significance for Familial thoracic aortic aneurysm and aortic dissection. Last evaluated: 2024-11-13. Review status: criteria provided, single submitter. Criteria: Ambry Variant Classification Scheme 2023. Collection method: clinical testing. Allele origin: germline.

AiLife Diagnostics
Classification: Uncertain significance. Last evaluated: 2022-01-10. Review status: criteria provided, single submitter. Criteria: ACMG Guidelines, 2015. Collection method: clinical testing. Allele origin: germline. Affected: yes. Observed: 2 variant alleles.

Fulgent Genetics
Classification: Uncertain significance for Megacystis-microcolon-intestinal hypoperistalsis syndrome 1; Aortic aneurysm, familial thoracic 7. Last evaluated: 2021-08-03. Review status: criteria provided, single submitter. Criteria: ACMG Guidelines, 2015. Collection method: clinical testing. Allele origin: unknown.

CeGaT Center for Human Genetics Tuebingen
Classification: Uncertain significance. Last evaluated: 2019-10-01. Review status: criteria provided, single submitter. Criteria: CeGaT Center For Human Genetics Tuebingen Variant Classification Criteria Version 2. Collection method: clinical testing. Allele origin: germline. Affected: yes. Observed: 1 variant allele.

NM_053025.4(MYLK):c.524G>T (p.Gly175Val)

Gene: MYLK (myosin light chain kinase; minus strand). Cytogenetic location: 3q21.1.
Variant type: single nucleotide variant.
Coding change: c.524G>T on transcript NM_053025.4 (MANE Select); coding-DNA position 524, G replaced by T.
Protein change: p.Gly175Val; replaces glycine 175 with valine.
Molecular consequence: missense variant. On other transcripts: 5 prime UTR variant (1).
Genome position (GRCh38, 1-based): chr3:123,738,961, C>A on the plus strand (G>T on the coding strand, the complement: MYLK is on the minus strand). VCF-style: chr3-123738961-C-A. GRCh37 (hg19) VCF-style: chr3-123457808-C-A.
Other names: c.-5G>T (NM_001321309.2); c.524G>T, p.Gly175Val (NM_053026.4, NM_053027.4, NM_053028.4); short protein forms G175V.
Identifiers: ClinVar variation 241763 (VCV000241763.54), dbSNP rs375456836, ClinGen allele CA072999.